The following is an entry in ClinVar:

NM_004004.6(GJB2):c.377T>C (p.Val126Ala)

Gene: GJB2 (gap junction protein beta 2; minus strand). Cytogenetic location: 13q12.11.
Variant type: single nucleotide variant.
Coding change: c.377T>C on transcript NM_004004.6 (MANE Select); coding-DNA position 377, T replaced by C.
Protein change: p.Val126Ala; replaces valine 126 with alanine.
Molecular consequence: missense variant.
Genome position (GRCh38, 1-based): chr13:20,189,205, A>G on the plus strand (T>C on the coding strand, the complement: GJB2 is on the minus strand). VCF-style: chr13-20189205-A-G. GRCh37 (hg19) VCF-style: chr13-20763344-A-G.
Other names: short protein forms V126A.
Identifiers: ClinVar variation 4854639 (VCV004854639.1).

ClinVar aggregate classification (germline): Uncertain significance (1 of 4 stars; one submission).

Conditions:
Autosomal recessive nonsyndromic hearing loss 1A (DFNB1A). Also called: Nonsyndromic Hearing Loss and Deafness, DFNB1; GJB6-Related DFNB 1 Nonsyndromic Hearing Loss and Deafness; Deafness, autosomal recessive 1A; Connexin 26 deafness; Deafness nonsyndromic, Connexin 26 linked; GJB2-Related Autosomal Recessive Nonsyndromic Hearing Loss. Identifiers: Orphanet 90636, MedGen C2673759, MONDO:0009076, OMIM 220290.

gnomAD v4.1: 2 of 1,613,772 alleles (0.00012%); highest among the groups gnomAD compares: East Asian, 0.0022%; no homozygotes.

Submission:

3billion
Classification: Uncertain significance for Autosomal recessive nonsyndromic hearing loss 1A. Last evaluated: 2026-01-12. Review status: criteria provided, single submitter. Criteria: ACMG Guidelines, 2015. Collection method: clinical testing. Allele origin: germline. Affected: yes.
Comment: The variant is observed at an extremely low frequency in the gnomAD v4.1.0 dataset (total allele frequency: <0.001%). Predicted Consequence/Location: Missense variant Damaging effect on gene or gene product predicted by in silico programs is uncertain [REVEL: 0.41 (damaging >=0.6, benign <0.4), 3Cnet: 0.22 (damaging >0.75, benign <0.1)]. The variant has been reported to be in trans with a pathogenic variant as either compound heterozygous or homozygous in at least one similarly affected unrelated individual (3billion dataset). Therefore, this variant is classified as VUS according to the recommendation of ACMG/AMP guideline.